The following is an entry in ClinVar:

NM_022124.6(CDH23):c.5368+1G>T

Gene: CDH23 (cadherin related 23; plus strand). Cytogenetic location: 10q22.1.
Variant type: single nucleotide variant.
Coding change: c.5368+1G>T on transcript NM_022124.6 (MANE Select); the canonical splice donor site of the intron after coding-DNA position 5368, G replaced by T.
Molecular consequence: splice donor variant.
Genome position (GRCh38, 1-based): chr10:71,779,448, G>T. VCF-style: chr10-71779448-G-T. GRCh37 (hg19) VCF-style: chr10-73539205-G-T.
Identifiers: ClinVar variation 4075645 (VCV004075645.1).

ClinVar aggregate classification (germline): Likely pathogenic (1 of 4 stars; one submission).

gnomAD v4.1: 6 of 1,598,828 alleles (0.00038%); highest among the groups gnomAD compares: Non-Finnish European, 0.00051%; no homozygotes.

Submission:

GeneDx
Classification: Likely pathogenic. Last evaluated: 2025-02-12. Review status: criteria provided, single submitter. Criteria: GeneDx Variant Classification Process June 2021. Collection method: clinical testing. Allele origin: germline. Affected: yes.
Comment: Canonical splice site variant predicted to result in a null allele in a gene for which loss of function is a known mechanism of disease; Not observed at significant frequency in large population cohorts (gnomAD); Has not been previously published as pathogenic or benign to our knowledge